The following is an entry in ClinVar:

NM_006421.5(ARFGEF1):c.2699A>G (p.Asn900Ser)

Gene: ARFGEF1 (ARF guanine nucleotide exchange factor 1; minus strand). Cytogenetic location: 8q13.2.
Variant type: single nucleotide variant.
Coding change: c.2699A>G on transcript NM_006421.5 (MANE Select); coding-DNA position 2699, A replaced by G.
Protein change: p.Asn900Ser; replaces asparagine 900 with serine.
Molecular consequence: missense variant. On other transcripts: non-coding transcript variant (1), intron variant (1).
Genome position (GRCh38, 1-based): chr8:67,251,450, T>C on the plus strand (A>G on the coding strand, the complement: ARFGEF1 is on the minus strand). VCF-style: chr8-67251450-T-C. GRCh37 (hg19) VCF-style: chr8-68163685-T-C.
Other names: c.2699A>G, p.Asn900Ser (NM_001413184.1, NM_001413185.1, NM_001413186.1 and 6 more transcripts); c.2099A>G, p.Asn700Ser (NM_001413188.1, NM_001413193.1, NM_001413197.1); c.1274A>G, p.Asn425Ser (NM_001413196.1); c.2699-6A>G (NM_001413190.1); short protein forms N425S, N700S, N900S.
Identifiers: ClinVar variation 5009208 (VCV005009208.1).

ClinVar aggregate classification (germline): Uncertain significance (1 of 4 stars; one submission).

Submission:

GeneDx
Classification: Uncertain significance. Last evaluated: 2026-03-13. Review status: criteria provided, single submitter. Criteria: GeneDx Variant Classification Process June 2021. Collection method: clinical testing. Allele origin: germline.
Comment: Not observed at significant frequency in large population cohorts (gnomAD); In silico analysis suggests that this missense variant does not alter protein structure/function; Has not been previously published as pathogenic or benign to our knowledge